The following is an entry in ClinVar:

NM_000138.5(FBN1):c.1242T>G (p.Pro414=)

Gene: FBN1 (fibrillin 1; minus strand). Cytogenetic location: 15q21.1.
Variant type: single nucleotide variant.
Coding change: c.1242T>G on transcript NM_000138.5 (MANE Select); coding-DNA position 1242, T replaced by G.
Protein change: p.Pro414=; no amino-acid change (proline 414 retained).
Molecular consequence: synonymous variant.
Genome position (GRCh38, 1-based): chr15:48,516,268, A>C on the plus strand (T>G on the coding strand, the complement: FBN1 is on the minus strand). VCF-style: chr15-48516268-A-C. GRCh37 (hg19) VCF-style: chr15-48808465-A-C.
Identifiers: ClinVar variation 514299 (VCV000514299.26), dbSNP rs371929738, ClinGen allele CA044051.

ClinVar aggregate classification (germline): Likely benign. Review status: criteria provided, multiple submitters, no conflicts (2 of 4 stars). 9 submissions from 9 submitters: Likely benign (9). Last evaluated 2026-06-12.

Conditions:
Familial thoracic aortic aneurysm and aortic dissection (TAAD). Also called: Thoracic aortic aneurysms and dissections. Identifiers: Orphanet 91387, MedGen C4707243, MONDO:0019625.
Marfan syndrome (MFS). Also called: Marfan syndrome type 1; Marfan syndrome, classic; Marfan's syndrome; FBN1-Related Marfan Syndrome; MARFAN SYNDROME, TYPE I. Identifiers: Orphanet 284963, Orphanet 558, MedGen C0024796, MONDO:0007947, OMIM 154700.
FBN1-related disorder. Also called: FBN1-related disorders.

Allele frequency attached by ClinVar (database versions not stated): gnomAD exomes 0.00006 and 0.00007; gnomAD 0.00004 and 0.00005; ExAC 0.00007; 1000 Genomes Project 30x 0.00016; ESP Exome Variant Server 0.00008; TOPMed 0.00007; 1000 Genomes Project 0.00020.
gnomAD v4.1: 101 of 1,578,164 alleles (0.0064%); highest among the groups gnomAD compares: Admixed American, 0.019%; no homozygotes.

Submissions (9):

Women's Health and Genetics/Laboratory Corporation of America, LabCorp
Classification: Likely benign. Last evaluated: 2026-06-12. Review status: criteria provided, single submitter. Criteria: LabCorp Variant Classification Summary - May 2015. Collection method: clinical testing. Allele origin: germline.

PreventionGenetics, part of Exact Sciences
Classification: Likely benign for FBN1-related condition. Last evaluated: 2026-04-10. Review status: criteria provided, single submitter. Criteria: ACMG Guidelines, 2015. Collection method: clinical testing. Allele origin: germline.
Comment: This variant is classified as likely benign based on ACMG/AMP sequence variant interpretation guidelines (Richards et al. 2015 PMID: 25741868, with internal and published modifications).

Labcorp Genetics (formerly Invitae), Labcorp
Classification: Likely benign for Marfan syndrome; Familial thoracic aortic aneurysm and aortic dissection. Last evaluated: 2025-11-25. Review status: criteria provided, single submitter. Criteria: Invitae Variant Classification Sherloc (09022015). Collection method: clinical testing. Allele origin: germline.

Blueprint Genetics
Classification: Likely benign. Last evaluated: 2024-09-05. Review status: criteria provided, single submitter. Criteria: ACMG Guidelines, 2015. Collection method: clinical testing. Allele origin: germline.

All of Us Research Program, National Institutes of Health
Classification: Likely benign for Marfan syndrome. Last evaluated: 2023-12-18. Review status: criteria provided, single submitter. Criteria: ACMG Guidelines, 2015. Collection method: clinical testing. Allele origin: germline. Inheritance: Autosomal dominant inheritance. Observed: 19 variant alleles, 19 heterozygotes.
Comment: This study involves interpretation of variants in research participants for the purpose of population health screening. Participant phenotype was not available at the time of variant classification. Additional details can be found in publication PMID: 35346344, PMCID: PMC8962531

CHEO Genetics Diagnostic Laboratory, Children's Hospital of Eastern Ontario
Classification: Likely benign for Familial thoracic aortic aneurysm and aortic dissection. Last evaluated: 2022-02-17. Review status: criteria provided, single submitter. Criteria: ACMG Guidelines, 2015. Collection method: clinical testing. Allele origin: germline.

GeneDx
Classification: Likely benign. Last evaluated: 2020-10-05. Review status: criteria provided, single submitter. Criteria: GeneDx Variant Classification Process June 2021. Collection method: clinical testing. Allele origin: germline. Affected: yes.

Color Diagnostics, LLC DBA Color Health
Classification: Likely benign for Familial thoracic aortic aneurysm and aortic dissection. Last evaluated: 2018-12-16. Review status: criteria provided, single submitter. Criteria: ACMG Guidelines, 2015. Collection method: clinical testing. Allele origin: germline.

Ambry Genetics
Classification: Likely benign for Familial thoracic aortic aneurysm and aortic dissection. Last evaluated: 2016-04-20. Review status: criteria provided, single submitter. Criteria: Ambry Variant Classification Scheme 2023. Collection method: clinical testing. Allele origin: germline.